The following is an entry in ClinVar:

ClinVar aggregate classification (germline): Benign (1 of 4 stars; one submission).

Conditions:
Sulfite oxidase deficiency due to molybdenum cofactor deficiency type A. Also called: Molybdenum Cofactor Deficiency A; Molybdenum cofactor deficiency, complementation group A. Identifiers: Orphanet 308386, Orphanet 833, MedGen C1854988, MONDO:0009643, OMIM 252150.

Allele frequency attached by ClinVar (database versions not stated): 1000 Genomes Project 30x 0.03045; ExAC 0.04683; TOPMed 0.06603; gnomAD exomes 0.06667 and 0.07768; gnomAD 0.07113 and 0.07361; 1000 Genomes Project 0.03015.
gnomAD v4.1: 34,499 of 454,542 alleles (7.6%); highest among the groups gnomAD compares: Middle Eastern, 12%; 1,685 homozygotes.

Submission:

Illumina Laboratory Services, Illumina
Classification: Benign for Sulfite oxidase deficiency due to molybdenum cofactor deficiency type A. Last evaluated: 2018-01-12. Review status: criteria provided, single submitter. Criteria: ICSL Variant Classification Criteria 13 December 2019. Collection method: clinical testing. Allele origin: germline.
Comment: This variant was observed in the ICSL laboratory as part of a predisposition screen in an ostensibly healthy population. It had not been previously curated by ICSL or reported in the Human Gene Mutation Database (HGMD: prior to June 1st, 2018), and was therefore a candidate for classification through an automated scoring system. Utilizing variant allele frequency, disease prevalence and penetrance estimates, and inheritance mode, an automated score was calculated to assess if this variant is too frequent to cause the disease. Based on the score and internal cut-off values, a variant classified as benign is not then subjected to further curation. The score for this variant resulted in a classification of benign for this disease.

NM_001358530.2(MOCS1):c.*1893G>C

Genes: DAAM2 (dishevelled associated activator of morphogenesis 2; plus strand), MOCS1 (molybdenum cofactor synthesis 1; minus strand). Cytogenetic location: 6p21.2.
Variant type: single nucleotide variant.
Coding change: c.*1893G>C on transcript NM_001358530.2 (MANE Select); 1893 bases downstream of the stop codon, G replaced by C.
Molecular consequence: 3 prime UTR variant. On other transcripts: non-coding transcript variant (1).
Genome position (GRCh38, 1-based): chr6:39,904,464, C>G on the plus strand (G>C on the coding strand, the complement: MOCS1 is on the minus strand). VCF-style: chr6-39904464-C-G. GRCh37 (hg19) VCF-style: chr6-39872240-C-G.
Other names: c.*2427C>G (NM_001201427.2, NM_015345.4); c.*2661G>C (NM_001075098.4, NM_001358533.2, NM_001358534.2 and 1 more transcripts); c.*1893G>C (NM_001358529.2, NM_001358531.2).
Identifiers: ClinVar variation 356590 (VCV000356590.5), dbSNP rs3008816, ClinGen allele CA3795612.
Genomic context (GRCh38, chr6:39,904,464, plus strand): 5'-GGGGTGGCTGAGCTGGTCCTTAATAGGTTGTTTCTTGGTCTTGCTTTCTTCATGCCCTCC[C>G]CACTGCTCCTGCCACCTTTAGATAAGTTTCTCTAGCTAATTTTGTGGCCAATGTAAAATT-3'